The following is an entry in ClinVar:

NM_002294.3(LAMP2):c.629C>A (p.Thr210Lys)

Gene: LAMP2 (lysosome associated membrane protein 2; minus strand). Cytogenetic location: Xq24.
Variant type: single nucleotide variant.
Coding change: c.629C>A on transcript NM_002294.3 (MANE Select); coding-DNA position 629, C replaced by A.
Protein change: p.Thr210Lys; replaces threonine 210 with lysine.
Molecular consequence: missense variant.
Genome position (GRCh38, 1-based): chrX:120,447,953, G>T on the plus strand (C>A on the coding strand, the complement: LAMP2 is on the minus strand). VCF-style: chrX-120447953-G-T. GRCh37 (hg19) VCF-style: chrX-119581808-G-T.
Other names: c.629C>A, p.Thr210Lys (NM_001122606.1, NM_013995.2); short protein forms T210K.
Identifiers: ClinVar variation 914159 (VCV000914159.7), dbSNP rs2058604992, ClinGen allele CA414401548.

ClinVar aggregate classification (germline): Uncertain significance. Review status: criteria provided, multiple submitters, no conflicts (2 of 4 stars). 2 submissions from 2 submitters: Uncertain significance (2). Last evaluated 2023-01-17.

Conditions:
Danon disease. Also called: ANTOPOL DISEASE; PSEUDOGLYCOGENOSIS II; GSD IIb; LYSOSOMAL GLYCOGEN STORAGE DISEASE WITHOUT ACID MALTASE DEFICIENCY; Glycogen Storage Disease Type IIb. Identifiers: Orphanet 34587, MedGen C0878677, MONDO:0010281, OMIM 300257.

Submissions (2):

Labcorp Genetics (formerly Invitae), Labcorp
Classification: Uncertain significance for Danon disease. Last evaluated: 2023-01-17. Review status: criteria provided, single submitter. Criteria: Invitae Variant Classification Sherloc (09022015). Collection method: clinical testing. Allele origin: germline.
Comment: This sequence change replaces threonine, which is neutral and polar, with lysine, which is basic and polar, at codon 210 of the LAMP2 protein (p.Thr210Lys). This variant is not present in population databases (gnomAD no frequency). This variant has not been reported in the literature in individuals affected with LAMP2-related conditions. ClinVar contains an entry for this variant (Variation ID: 914159). Advanced modeling of protein sequence and biophysical properties (such as structural, functional, and spatial information, amino acid conservation, physicochemical variation, residue mobility, and thermodynamic stability) has been performed at Invitae for this missense variant, however the output from this modeling did not meet the statistical confidence thresholds required to predict the impact of this variant on LAMP2 protein function. In summary, the available evidence is currently insufficient to determine the role of this variant in disease. Therefore, it has been classified as a Variant of Uncertain Significance.

Illumina Laboratory Services, Illumina
Classification: Uncertain significance for Danon disease. Last evaluated: 2018-01-12. Review status: criteria provided, single submitter. Criteria: ICSL Variant Classification Criteria 13 December 2019. Collection method: clinical testing. Allele origin: germline.